The following is an entry in ClinVar:

NM_133497.4(KCNV2):c.1171G>A (p.Ala391Thr)

Gene: KCNV2 (potassium voltage-gated channel modifier subfamily V member 2; plus strand). Cytogenetic location: 9p24.2.
Variant type: single nucleotide variant.
Coding change: c.1171G>A on transcript NM_133497.4 (MANE Select); coding-DNA position 1171, G replaced by A.
Protein change: p.Ala391Thr; replaces alanine 391 with threonine.
Molecular consequence: missense variant.
Genome position (GRCh38, 1-based): chr9:2,718,910, G>A. VCF-style: chr9-2718910-G-A. GRCh37 (hg19) VCF-style: chr9-2718910-G-A.
Other names: short protein forms A391T.
Identifiers: ClinVar variation 1976033 (VCV001976033.5), dbSNP rs2536973962, ClinGen allele CA372802315.

ClinVar aggregate classification (germline): Uncertain significance (1 of 4 stars; one submission).

Submission:

Labcorp Genetics (formerly Invitae), Labcorp
Classification: Uncertain significance. Last evaluated: 2022-09-06. Review status: criteria provided, single submitter. Criteria: Invitae Variant Classification Sherloc (09022015). Collection method: clinical testing. Allele origin: germline.
Comment: In summary, the available evidence is currently insufficient to determine the role of this variant in disease. Therefore, it has been classified as a Variant of Uncertain Significance. Advanced modeling of protein sequence and biophysical properties (such as structural, functional, and spatial information, amino acid conservation, physicochemical variation, residue mobility, and thermodynamic stability) performed at Invitae indicates that this missense variant is expected to disrupt KCNV2 protein function. This variant has not been reported in the literature in individuals affected with KCNV2-related conditions. This variant is not present in population databases (gnomAD no frequency). This sequence change replaces alanine, which is neutral and non-polar, with threonine, which is neutral and polar, at codon 391 of the KCNV2 protein (p.Ala391Thr).